The following is an entry in ClinVar:

NM_001291303.3(FAT4):c.8693C>T (p.Ala2898Val)

Gene: FAT4 (FAT atypical cadherin 4; plus strand). Cytogenetic location: 4q28.1.
Variant type: single nucleotide variant.
Coding change: c.8693C>T on transcript NM_001291303.3 (MANE Select); coding-DNA position 8693, C replaced by T.
Protein change: p.Ala2898Val; replaces alanine 2898 with valine.
Molecular consequence: missense variant.
Genome position (GRCh38, 1-based): chr4:125,449,703, C>T. VCF-style: chr4-125449703-C-T. GRCh37 (hg19) VCF-style: chr4-126370858-C-T.
Other names: c.8687C>T, p.Ala2896Val (NM_024582.6); c.8693C>T, p.Ala2898Val (NM_001291285.3); c.8687C>T (NM_024582.4); short protein forms A2896V, A2898V.
Identifiers: ClinVar variation 1493586 (VCV001493586.4), dbSNP rs369712573, ClinGen allele CA3073412.

ClinVar aggregate classification (germline): Uncertain significance. Review status: criteria provided, multiple submitters, no conflicts (2 of 4 stars). 2 submissions from 2 submitters: Uncertain significance (2). Last evaluated 2025-08-09.

Conditions:
Inborn genetic diseases. Identifiers: MedGen C0950123, MeSH D030342.

Allele frequency attached by ClinVar (database versions not stated): gnomAD exomes below 0.00001; TOPMed below 0.00001; ExAC 0.00001; gnomAD 0.00001; ESP Exome Variant Server 0.00008.
gnomAD v4.1: 2 of 1,613,804 alleles (0.00012%); highest among the groups gnomAD compares: Admixed American, 0.0017%; no homozygotes.

Submissions (2):

Ambry Genetics
Classification: Uncertain significance for Inborn genetic diseases. Last evaluated: 2025-08-09. Review status: criteria provided, single submitter. Criteria: Ambry Variant Classification Scheme 2023. Collection method: clinical testing. Allele origin: germline.

Labcorp Genetics (formerly Invitae), Labcorp
Classification: Uncertain significance. Last evaluated: 2022-07-25. Review status: criteria provided, single submitter. Criteria: Invitae Variant Classification Sherloc (09022015). Collection method: clinical testing. Allele origin: germline.
Comment: This sequence change replaces alanine, which is neutral and non-polar, with valine, which is neutral and non-polar, at codon 2896 of the FAT4 protein (p.Ala2896Val). This variant is present in population databases (rs369712573, gnomAD 0.0009%). This variant has not been reported in the literature in individuals affected with FAT4-related conditions. ClinVar contains an entry for this variant (Variation ID: 1493586). Algorithms developed to predict the effect of missense changes on protein structure and function (SIFT, PolyPhen-2, Align-GVGD) all suggest that this variant is likely to be disruptive. In summary, the available evidence is currently insufficient to determine the role of this variant in disease. Therefore, it has been classified as a Variant of Uncertain Significance.